The following is an entry in ClinVar:

NM_001018005.2(TPM1):c.240+4430G>A

Genes: TPM1 (tropomyosin 1; plus strand), TPM1-AS (TPM1 antisense RNA; minus strand), LOC130057222 (ATAC-STARR-seq lymphoblastoid silent region 6507; plus strand). Cytogenetic location: 15q22.2.
Variant type: single nucleotide variant.
Coding change: c.240+4430G>A on transcript NM_001018005.2 (MANE Select); 4430 bases into the intron after coding-DNA position 240, G replaced by A.
Molecular consequence: intron variant. On other transcripts: non-coding transcript variant (1), missense variant (8).
Genome position (GRCh38, 1-based): chr15:63,048,582, G>A. VCF-style: chr15-63048582-G-A. GRCh37 (hg19) VCF-style: chr15-63340781-G-A.
Other names: c.7G>A, p.Gly3Arg (NM_001018008.2, NM_001301289.2, NM_001330344.2 and 5 more transcripts); c.366+4430G>A (NM_001365778.1); c.240+4751G>A (NM_001018020.2, NM_001018007.2, NM_001301244.2); c.240+4430G>A (NM_001018006.2, NM_001365776.1, NM_001018004.2 and 3 more transcripts); short protein forms G3R.
Identifiers: ClinVar variation 43683 (VCV000043683.9), dbSNP rs397516490, ClinGen allele CA018745.

ClinVar aggregate classification (germline): Conflicting classifications of pathogenicity. Review status: criteria provided, conflicting classifications (1 of 4 stars). 3 submissions from 3 submitters: Uncertain significance (1); Likely benign (2). Last evaluated 2024-10-08.

Conditions:
Paroxysmal familial ventricular fibrillation. Also called: Idiopathic ventricular fibrillation, non Brugada type. Identifiers: Orphanet 228140, MedGen C0340493, MONDO:0100234.
Long QT syndrome (LQTS). Identifiers: MedGen C0023976, MeSH D008133, MONDO:0002442. Disease mechanism: loss of function. Inheritance: Various modes of inheritance.

Allele frequency attached by ClinVar (database versions not stated): ExAC below 0.00001; gnomAD 0.00003 and 0.00005; gnomAD exomes 0.00007; TOPMed 0.00010.
gnomAD v4.1: 58 of 1,528,492 alleles (0.0038%); highest among the groups gnomAD compares: Middle Eastern, 0.22%; no homozygotes.

Submissions (3):

Blueprint Genetics
Classification: Likely benign. Last evaluated: 2024-10-08. Review status: criteria provided, single submitter. Criteria: ACMG Guidelines, 2015. Collection method: clinical testing. Allele origin: germline.

Agnes Ginges Centre for Molecular Cardiology, Centenary Institute
Classification: Likely benign for long QT syndrome; idiopathic ventricular fibrillation. Last evaluated: 2017-11-21. Review status: criteria provided, single submitter. Criteria: ACMG Guidelines, 2015. Collection method: research. Allele origin: germline. Affected: yes.
Comment: The TPM1 Gly3Arg variant has been identified previously in 1 (heterozygous) proband with left ventricular dilation, wall thinning (LMM, Pers. Comm). It has also been identified in 1 Saudi Arabian family with 2 children affected with DCM and 1 child affected with Patent Ductus Arteruisus, all 3 children were found to be homozygous for p.Gly3Arg, the heterozygous parents were not affected (Al Harbi K, et al., 2016). The variant is found in Genome Aggregation Database (MAF=0.00007917), and the Greater Middle Eastern variome project (MAF= 0.00304) which is higher then expected for a genetic heart condition. In silico tools PolyPhen-2 and MutationTaster predict this variant to be benign, however SIFT predicts this variant to be "deleterious". In summary, the variant is unlikely to be causing disease as it is present in the general population at an elevated frequency, evidence suggests it may only cause disease when inherited in the homozygous form, furthermore the variant has not been identified in consistent phenotypes and 2/3 in silico tools predict the variant to be benign, therefore we classify TPM1 Gly3Arg as 'likely benign'.

Laboratory for Molecular Medicine, Mass General Brigham Personalized Medicine
Classification: Uncertain significance. Last evaluated: 2014-11-14. Review status: criteria provided, single submitter. Criteria: LMM Criteria. Collection method: clinical testing. Allele origin: germline. Observed: 1 variant allele.
Comment: proposed classification - variant undergoing re-assessment, contact laboratory